The following is an entry in ClinVar:

ClinVar aggregate classification (germline): Uncertain significance. Review status: criteria provided, multiple submitters, no conflicts (2 of 4 stars). 6 submissions from 6 submitters: Uncertain significance (6). Last evaluated 2026-07-08.

Conditions:
Retinal dystrophy. Also called: Inherited retinal dystrophy. Identifiers: Orphanet 71862, MedGen C0854723, MeSH D058499, MONDO:0019118, HP:0000556.
Severe early-childhood-onset retinal dystrophy (STGD1). Also called: Stargardt macular dystrophy; Juvenile onset macular degeneration; Stargardt disease 1; MACULAR DYSTROPHY WITH FLECKS, TYPE 1; STGD. Identifiers: Orphanet 364055, Orphanet 827, MedGen C1855465, MeSH D000080362, MONDO:0009549, OMIM 248200.
Retinitis pigmentosa 19 (RP19). Also called: ABCA4-Related Retinitis Pigmentosa. Identifiers: Orphanet 791, MedGen C1866422, MONDO:0011137, OMIM 601718.
Cone-rod dystrophy 3 (CORD3). Identifiers: Orphanet 1872, MedGen C1858806, MONDO:0011395, OMIM 604116.
Age related macular degeneration 2. Also called: MACULAR DEGENERATION, SENILE; MACULOPATHY, AGE-RELATED, 2; MACULOPATHY, AGE-RELATED. Identifiers: MedGen C3495438, MONDO:0007932, OMIM 153800.
ABCA4-related disorder. Also called: ABCA4-related condition; ABCA4-related disorders. Identifiers: MedGen CN239167.
ABCA4-related retinopathy. Also called: ABCA4 retinoapthy; ABCA4-related retinoapthy. Identifiers: MedGen CN322612, MONDO:0800406.

Allele frequency attached by ClinVar (database versions not stated): ExAC 0.00009; TOPMed 0.00012; ESP Exome Variant Server 0.00023.
gnomAD v4.1: 378 of 1,613,942 alleles (0.023%); highest among the groups gnomAD compares: Non-Finnish European, 0.03%; no homozygotes.

Submissions (6):

PreventionGenetics, part of Exact Sciences
Classification: Uncertain significance for ABCA4-related condition. Last evaluated: 2026-07-08. Review status: criteria provided, single submitter. Criteria: ACMG Guidelines, 2015. Collection method: clinical testing. Allele origin: germline.
Comment: The ABCA4 c.1792G>A variant is predicted to result in the amino acid substitution p.Val598Met. This variant was reported, along with one or more other variants in the same gene, in individuals with retinal disease (supplementary data, Birtel et al. 2018. PubMed ID: 29555955; supplementary data, Del Pozo-Valero et al. 2020. PubMed ID: 32619608). This variant was also reported in at least one individual with retinal disease; however, no second potentially causative variant was identified (supplementary data, Schindler et al. 2010. PubMed ID: 20647261). After internal analysis, one large cohort study indicated that this variant was benign (supplementary data, Cornelis et al. 2022. PubMed ID: 35120629). This variant is reported in 0.014% of alleles in individuals of European (Non-Finnish) descent in gnomAD. At this time, the clinical significance of this variant is uncertain due to the absence of conclusive functional and genetic evidence.

Labcorp Genetics (formerly Invitae), Labcorp
Classification: Uncertain significance. Last evaluated: 2025-07-27. Review status: criteria provided, single submitter. Criteria: Invitae Variant Classification Sherloc (09022015). Collection method: clinical testing. Allele origin: germline.
Comment: This sequence change replaces valine, which is neutral and non-polar, with methionine, which is neutral and non-polar, at codon 598 of the ABCA4 protein (p.Val598Met). This variant is present in population databases (rs201838557, gnomAD 0.02%). This missense change has been observed in individual(s) with clinical features of ABCA4-related conditions (PMID: 20647261, 29555955, 32619608, 35120629). ClinVar contains an entry for this variant (Variation ID: 849480). Invitae Evidence Modeling of protein sequence and biophysical properties (such as structural, functional, and spatial information, amino acid conservation, physicochemical variation, residue mobility, and thermodynamic stability) indicates that this missense variant is not expected to disrupt ABCA4 protein function with a negative predictive value of 95%. In summary, the available evidence is currently insufficient to determine the role of this variant in disease. Therefore, it has been classified as a Variant of Uncertain Significance.

Blueprint Genetics
Classification: Uncertain significance. Last evaluated: 2023-10-16. Review status: criteria provided, single submitter. Criteria: ACMG Guidelines, 2015. Collection method: clinical testing. Allele origin: germline.

Fulgent Genetics
Classification: Uncertain significance for Age related macular degeneration 2; Severe early-childhood-onset retinal dystrophy; Retinitis pigmentosa 19; Cone-rod dystrophy 3. Last evaluated: 2022-03-03. Review status: criteria provided, single submitter. Criteria: ACMG Guidelines, 2015. Collection method: clinical testing. Allele origin: unknown.

Institute of Human Genetics, Univ. Regensburg, Univ. Regensburg
Classification: Uncertain significance for Retinal dystrophy. Last evaluated: 2022-01-01. Review status: criteria provided, single submitter. Criteria: ACMG Guidelines, 2015. Collection method: clinical testing. Allele origin: germline. Affected: yes.

Department of Pathology and Laboratory Medicine, Sinai Health System
Classification: Uncertain significance for ABCA4-related retinopathy. Last evaluated: 2021-07-30. Review status: criteria provided, single submitter. Criteria: ACMG Guidelines, 2015. Collection method: research. Allele origin: germline.

Literature cited by the submitters: PubMed 20647261 (cited by Labcorp Genetics (formerly Invitae), Labcorp and Institute of Human Genetics, Univ. Regensburg, Univ. Regensburg); PubMed 29555955 (cited by Labcorp Genetics (formerly Invitae), Labcorp and Institute of Human Genetics, Univ. Regensburg, Univ. Regensburg); PubMed 32619608 (cited by Labcorp Genetics (formerly Invitae), Labcorp and Institute of Human Genetics, Univ. Regensburg, Univ. Regensburg); PubMed 35120629 (cited by Labcorp Genetics (formerly Invitae), Labcorp); PubMed 35119454 (cited by Institute of Human Genetics, Univ. Regensburg, Univ. Regensburg).

NM_000350.3(ABCA4):c.1792G>A (p.Val598Met)

Gene: ABCA4 (ATP binding cassette subfamily A member 4; minus strand). Cytogenetic location: 1p22.1.
Variant type: single nucleotide variant.
Coding change: c.1792G>A on transcript NM_000350.3 (MANE Select); coding-DNA position 1792, G replaced by A.
Protein change: p.Val598Met; replaces valine 598 with methionine.
Molecular consequence: missense variant.
Genome position (GRCh38, 1-based): chr1:94,062,722, C>T on the plus strand (G>A on the coding strand, the complement: ABCA4 is on the minus strand). VCF-style: chr1-94062722-C-T. GRCh37 (hg19) VCF-style: chr1-94528278-C-T.
Other names: c.1792G>A, p.Val598Met (NM_001425324.1); short protein forms V598M.
Identifiers: ClinVar variation 849480 (VCV000849480.10), dbSNP rs201838557, ClinGen allele CA958421.